The following is an entry in ClinVar:

ClinVar aggregate classification (germline): Uncertain significance (1 of 4 stars; one submission).

Conditions:
Granulomatous disease, chronic, autosomal recessive, cytochrome b-positive, type 2. Also called: Chronic granulomatous disease due to deficiency of NCF-2; CGD, AUTOSOMAL RECESSIVE CYTOCHROME b-POSITIVE, TYPE II; GRANULOMATOUS DISEASE, CHRONIC, DUE TO NCF2 DEFICIENCY; Chronic Granulomatous Disease, Autosomal Recessive, Cytochrome b-Positive, Type II; GRANULOMATOUS DISEASE, CHRONIC, AUTOSOMAL RECESSIVE, 2. Identifiers: Orphanet 379, MedGen C1856245, MONDO:0009310, OMIM 233710.

gnomAD v4.1: 6 of 1,614,160 alleles (0.00037%); highest among the groups gnomAD compares: Non-Finnish European, 0.00042%; no homozygotes.

Submission:

Labcorp Genetics (formerly Invitae), Labcorp
Classification: Uncertain significance for Granulomatous disease, chronic, autosomal recessive, cytochrome b-positive, type 2. Last evaluated: 2022-06-14. Review status: criteria provided, single submitter. Criteria: Invitae Variant Classification Sherloc (09022015). Collection method: clinical testing. Allele origin: germline.
Comment: This sequence change falls in intron 4 of the NCF2 gene. It does not directly change the encoded amino acid sequence of the NCF2 protein. It affects a nucleotide within the consensus splice site. In summary, the available evidence is currently insufficient to determine the role of this variant in disease. Therefore, it has been classified as a Variant of Uncertain Significance. Variants that disrupt the consensus splice site are a relatively common cause of aberrant splicing (PMID: 17576681, 9536098). Algorithms developed to predict the effect of sequence changes on RNA splicing suggest that this variant may disrupt the consensus splice site. This variant has not been reported in the literature in individuals affected with NCF2-related conditions. This variant is not present in population databases (gnomAD no frequency).

Literature cited by the submitters: PubMed 17576681; PubMed 9536098.

NM_000433.4(NCF2):c.501+4A>G

Gene: NCF2 (neutrophil cytosolic factor 2; minus strand). Cytogenetic location: 1q25.3.
Variant type: single nucleotide variant.
Coding change: c.501+4A>G on transcript NM_000433.4 (MANE Select); 4 bases into the intron after coding-DNA position 501, A replaced by G.
Molecular consequence: intron variant.
Genome position (GRCh38, 1-based): chr1:183,574,483, T>C on the plus strand (A>G on the coding strand, the complement: NCF2 is on the minus strand). VCF-style: chr1-183574483-T-C. GRCh37 (hg19) VCF-style: chr1-183543618-T-C.
Other names: c.501+4A>G (NM_001127651.3); c.366+3116A>G (NM_001190789.2); c.367-1191A>G (NM_001190794.2).
Identifiers: ClinVar variation 1974755 (VCV001974755.5), dbSNP rs2527963593, ClinGen allele CA2580061709.